The following is an entry in ClinVar:

NM_024529.5(CDC73):c.1501T>C (p.Tyr501His)

Gene: CDC73 (cell division cycle 73; plus strand). Cytogenetic location: 1q31.2.
Variant type: single nucleotide variant.
Coding change: c.1501T>C on transcript NM_024529.5 (MANE Select); coding-DNA position 1501, T replaced by C.
Protein change: p.Tyr501His; replaces tyrosine 501 with histidine.
Molecular consequence: missense variant.
Genome position (GRCh38, 1-based): chr1:193,249,813, T>C. VCF-style: chr1-193249813-T-C. GRCh37 (hg19) VCF-style: chr1-193218943-T-C.
Other names: short protein forms Y501H.
Identifiers: ClinVar variation 462750 (VCV000462750.10), dbSNP rs1553292970, ClinGen allele CA344078524.

ClinVar aggregate classification (germline): Uncertain significance. Review status: criteria provided, multiple submitters, no conflicts (2 of 4 stars). 2 submissions from 2 submitters: Uncertain significance (2). Last evaluated 2025-03-22.

Conditions:
Hereditary cancer-predisposing syndrome. Also called: Neoplastic Syndromes, Hereditary; Hereditary Cancer Syndrome; Hereditary neoplastic syndrome; Tumor predisposition. Identifiers: Orphanet 140162, MedGen C0027672, MeSH D009386, MONDO:0015356.
Parathyroid carcinoma (PRTC). Also called: CDC73-Related Parathyroid Carcinoma; Parathyroid gland carcinoma. Identifiers: Orphanet 143, MedGen C0687150, MONDO:0012004, OMIM 608266, HP:0006780.

Submissions (2):

Ambry Genetics
Classification: Uncertain significance for Hereditary cancer-predisposing syndrome. Last evaluated: 2025-03-22. Review status: criteria provided, single submitter. Criteria: Ambry Variant Classification Scheme 2023. Collection method: clinical testing. Allele origin: germline.
Comment: The p.Y501H variant (also known as c.1501T>C), located in coding exon 16 of the CDC73 gene, results from a T to C substitution at nucleotide position 1501. The tyrosine at codon 501 is replaced by histidine, an amino acid with similar properties. This amino acid position is conserved. In addition, this alteration is predicted to be tolerated by in silico analysis. Since supporting evidence is limited at this time, the clinical significance of this alteration remains unclear.

Labcorp Genetics (formerly Invitae), Labcorp
Classification: Uncertain significance for Parathyroid carcinoma. Last evaluated: 2020-12-02. Review status: criteria provided, single submitter. Criteria: Invitae Variant Classification Sherloc (09022015). Collection method: clinical testing. Allele origin: germline.
Comment: In summary, this variant is a novel missense change that is not predicted to affect protein function. There is no indication that it causes disease, but the available evidence is currently insufficient to prove that conclusively. Therefore, it has been classified as a Variant of Uncertain Significance. Algorithms developed to predict the effect of missense changes on protein structure and function (SIFT, PolyPhen-2, Align-GVGD) all suggest that this variant is likely to be tolerated, but these predictions have not been confirmed by published functional studies. This variant is not present in population databases (ExAC no frequency) and has not been reported in the literature in individuals with a CDC73-related disease. This sequence change replaces tyrosine with histidine at codon 501 of the CDC73 protein (p.Tyr501His). The tyrosine residue is moderately conserved and there is a moderate physicochemical difference between tyrosine and histidine.